The following is an entry in ClinVar:

NM_001258392.3(CLPB):c.974C>G (p.Ala325Gly)

Gene: CLPB (ClpB family mitochondrial disaggregase; minus strand). Cytogenetic location: 11q13.4.
Variant type: single nucleotide variant.
Coding change: c.974C>G on transcript NM_001258392.3 (MANE Select); coding-DNA position 974, C replaced by G.
Protein change: p.Ala325Gly; replaces alanine 325 with glycine.
Molecular consequence: missense variant.
Genome position (GRCh38, 1-based): chr11:72,317,120, G>C on the plus strand (C>G on the coding strand, the complement: CLPB is on the minus strand). VCF-style: chr11-72317120-G-C. GRCh37 (hg19) VCF-style: chr11-72028164-G-C.
Other names: c.887C>G, p.Ala296Gly (NM_001258393.3); c.929C>G, p.Ala310Gly (NM_001258394.3); c.1064C>G, p.Ala355Gly (NM_030813.6); short protein forms A310G, A355G, A296G, A325G.
Identifiers: ClinVar variation 4711586 (VCV004711586.1).

ClinVar aggregate classification (germline): Uncertain significance (1 of 4 stars; one submission).

Conditions:
3-methylglutaconic aciduria, type VIIB (MGCA7B). Also called: CLPB Deficiency; 3-methylglutaconic aciduria, type VII, with cataracts, neurologic involvement and neutropenia; 3-methylglutaconic aciduria with cataracts, neurologic involvement and neutropenia. Identifiers: Orphanet 445038, MedGen C5676893, MONDO:0014561, OMIM 616271.

Submission:

Labcorp Genetics (formerly Invitae), Labcorp
Classification: Uncertain significance for 3-methylglutaconic aciduria, type VIIB. Last evaluated: 2026-02-02. Review status: criteria provided, single submitter. Criteria: Invitae Variant Classification Sherloc (09022015). Collection method: clinical testing. Allele origin: germline.
Comment: This sequence change replaces alanine, which is neutral and non-polar, with glycine, which is neutral and non-polar, at codon 355 of the CLPB protein (p.Ala355Gly). This variant is not present in population databases (gnomAD no frequency). This variant has not been reported in the literature in individuals affected with CLPB-related conditions. An algorithm developed to predict the effect of missense changes on protein structure and function (PolyPhen-2) suggests that this variant is likely to be tolerated. In summary, the available evidence is currently insufficient to determine the role of this variant in disease. Therefore, it has been classified as a Variant of Uncertain Significance.